The following is an entry in ClinVar:

NM_014484.5(MOCS3):c.793G>A (p.Ala265Thr)

Gene: MOCS3 (molybdenum cofactor synthesis 3; plus strand). Cytogenetic location: 20q13.13.
Variant type: single nucleotide variant.
Coding change: c.793G>A on transcript NM_014484.5 (MANE Select); coding-DNA position 793, G replaced by A.
Protein change: p.Ala265Thr; replaces alanine 265 with threonine.
Molecular consequence: missense variant.
Genome position (GRCh38, 1-based): chr20:50,959,635, G>A. VCF-style: chr20-50959635-G-A. GRCh37 (hg19) VCF-style: chr20-49576172-G-A.
Other names: c.793G>A (NM_014484.3); short protein forms A265T.
Identifiers: ClinVar variation 1434406 (VCV001434406.9), dbSNP rs1464609463, ClinGen allele CA408984486.

ClinVar aggregate classification (germline): Uncertain significance. Review status: criteria provided, multiple submitters, no conflicts (2 of 4 stars). 2 submissions from 2 submitters: Uncertain significance (2). Last evaluated 2025-05-25.

Allele frequency attached by ClinVar (database versions not stated): gnomAD exomes below 0.00001; TOPMed 0.00002; gnomAD 0.00003 and 0.00004.
gnomAD v4.1: 10 of 1,614,082 alleles (0.00062%); highest among the groups gnomAD compares: Non-Finnish European, 0.00085%; no homozygotes.

Submissions (2):

Ambry Genetics
Classification: Uncertain significance. Last evaluated: 2025-05-25. Review status: criteria provided, single submitter. Criteria: Ambry Variant Classification Scheme 2023. Collection method: clinical testing. Allele origin: germline.

Labcorp Genetics (formerly Invitae), Labcorp
Classification: Uncertain significance. Last evaluated: 2021-03-19. Review status: criteria provided, single submitter. Criteria: Invitae Variant Classification Sherloc (09022015). Collection method: clinical testing. Allele origin: germline.
Comment: This variant is not present in population databases (ExAC no frequency). This sequence change replaces alanine with threonine at codon 265 of the MOCS3 protein (p.Ala265Thr). The alanine residue is moderately conserved and there is a small physicochemical difference between alanine and threonine. Algorithms developed to predict the effect of missense changes on protein structure and function (SIFT, PolyPhen-2, Align-GVGD) all suggest that this variant is likely to be tolerated, but these predictions have not been confirmed by published functional studies and their clinical significance is uncertain. This variant has not been reported in the literature in individuals with MOCS3-related conditions. In summary, the available evidence is currently insufficient to determine the role of this variant in disease. Therefore, it has been classified as a Variant of Uncertain Significance.